The following is an entry in ClinVar:

ClinVar aggregate classification (germline): Uncertain significance (1 of 4 stars; one submission).

Conditions:
Autosomal recessive spinocerebellar ataxia 12. Also called: SPINOCEREBELLAR ATAXIA WITH MENTAL RETARDATION AND EPILEPSY. Identifiers: Orphanet 284282, MedGen C3280452, MONDO:0013687, OMIM 614322.
Developmental and epileptic encephalopathy, 1 (DEE1). Also called: INFANTILE SPASM SYNDROME, X-LINKED 1; X-linked infantile spasms; West's syndrome; Tonic spasms with clustering, arrest of psychomotor development and hypsarrhythmia on EEG; X-Linked Infantile Spasm Syndrome; OHTAHARA SYNDROME, X-LINKED. Identifiers: MedGen C3463992, MONDO:0010632, OMIM 308350. Disease mechanism: loss of function.

Allele frequency attached by ClinVar (database versions not stated): gnomAD exomes below 0.00001.
gnomAD v4.1: 2 of 1,614,162 alleles (0.00012%); highest among the groups gnomAD compares: African/African-American, 0.0027%; no homozygotes.

Submission:

Labcorp Genetics (formerly Invitae), Labcorp
Classification: Uncertain significance for Developmental and epileptic encephalopathy, 1; Autosomal recessive spinocerebellar ataxia 12. Last evaluated: 2021-12-31. Review status: criteria provided, single submitter. Criteria: Invitae Variant Classification Sherloc (09022015). Collection method: clinical testing. Allele origin: germline.
Comment: This sequence change replaces arginine, which is basic and polar, with glutamine, which is neutral and polar, at codon 120 of the WWOX protein (p.Arg120Gln). This variant is present in population databases (no rsID available, gnomAD 0.007%). This missense change has been observed in individual(s) with clinical features of disorder of sexual development (PMID: 28130116). Algorithms developed to predict the effect of missense changes on protein structure and function are either unavailable or do not agree on the potential impact of this missense change (SIFT: "Not Available"; PolyPhen-2: "Benign"; Align-GVGD: "Not Available"). In summary, the available evidence is currently insufficient to determine the role of this variant in disease. Therefore, it has been classified as a Variant of Uncertain Significance.

Literature cited by the submitters: PubMed 28130116.

NM_016373.4(WWOX):c.359G>A (p.Arg120Gln)

Gene: WWOX (WW domain containing oxidoreductase; plus strand). Cytogenetic location: 16q23.1.
Variant type: single nucleotide variant.
Coding change: c.359G>A on transcript NM_016373.4 (MANE Select); coding-DNA position 359, G replaced by A.
Protein change: p.Arg120Gln; replaces arginine 120 with glutamine.
Molecular consequence: missense variant. On other transcripts: non-coding transcript variant (1).
Genome position (GRCh38, 1-based): chr16:78,115,104, G>A. VCF-style: chr16-78115104-G-A. GRCh37 (hg19) VCF-style: chr16-78149001-G-A.
Other names: c.20G>A, p.Arg7Gln (NM_001291997.2); c.359G>A, p.Arg120Gln (NM_130791.5); short protein forms R7Q, R120Q.
Identifiers: ClinVar variation 1479390 (VCV001479390.3), dbSNP rs1355355411, ClinGen allele CA396842538.